The following is an entry in ClinVar:

ClinVar aggregate classification (germline): Uncertain significance (1 of 4 stars; one submission).

Conditions:
Severe early-onset pulmonary alveolar proteinosis due to MARS deficiency. Also called: PULMONARY ALVEOLAR PROTEINOSIS, REUNION ISLAND; Interstitial lung and liver disease. Identifiers: Orphanet 440427, MedGen C4225400, MONDO:0014206, OMIM 615486.
Charcot-Marie-Tooth disease axonal type 2U. Also called: CHARCOT-MARIE-TOOTH NEUROPATHY, TYPE 2U; CHARCOT-MARIE-TOOTH DISEASE, AXONAL, AUTOSOMAL DOMINANT, TYPE 2U. Identifiers: Orphanet 397735, MedGen C4084821, MONDO:0014566, OMIM 616280.

Allele frequency attached by ClinVar (database versions not stated): gnomAD 0.00001; TOPMed 0.00002.
gnomAD v4.1: 5 of 1,613,364 alleles (0.00031%); highest among the groups gnomAD compares: Middle Eastern, 0.017%; no homozygotes.

Submission:

Labcorp Genetics (formerly Invitae), Labcorp
Classification: Uncertain significance for Charcot-Marie-Tooth disease axonal type 2U; Severe early-onset pulmonary alveolar proteinosis due to MARS deficiency. Last evaluated: 2025-06-24. Review status: criteria provided, single submitter. Criteria: Invitae Variant Classification Sherloc (09022015). Collection method: clinical testing. Allele origin: germline.
Comment: This sequence change falls in intron 2 of the MARS gene. It does not directly change the encoded amino acid sequence of the MARS protein. This variant is not present in population databases (gnomAD no frequency). This variant has not been reported in the literature in individuals affected with MARS-related conditions. ClinVar contains an entry for this variant (Variation ID: 2946107). Algorithms developed to predict the effect of sequence changes on RNA splicing suggest that this variant may disrupt the consensus splice site. In summary, the available evidence is currently insufficient to determine the role of this variant in disease. Therefore, it has been classified as a Variant of Uncertain Significance.

NM_004990.4(MARS1):c.201-14C>G

Gene: MARS1 (methionyl-tRNA synthetase 1; plus strand). Cytogenetic location: 12q13.3.
Variant type: single nucleotide variant.
Coding change: c.201-14C>G on transcript NM_004990.4 (MANE Select); 14 bases into the intron before coding-DNA position 201, C replaced by G.
Molecular consequence: intron variant.
Genome position (GRCh38, 1-based): chr12:57,489,253, C>G. VCF-style: chr12-57489253-C-G. GRCh37 (hg19) VCF-style: chr12-57883036-C-G.
Identifiers: ClinVar variation 2946107 (VCV002946107.3), dbSNP rs890326294, ClinGen allele CA237807072.